The following is an entry in ClinVar:

ClinVar aggregate classification (germline): Benign/Likely benign. Review status: criteria provided, multiple submitters, no conflicts (2 of 4 stars). 7 submissions from 7 submitters: Benign (4); Likely benign (1). 2 of the submissions do not count toward it. Last evaluated 2026-01-24.

Conditions:
Congenital stationary night blindness 1D. Also called: Night blindness, congenital stationary (complete), 1D, autosomal recessive. Identifiers: Orphanet 215, MedGen C3151193, MONDO:0013450, OMIM 613830.

Allele frequency attached by ClinVar (database versions not stated): gnomAD exomes 0.00058 and 0.00156; ExAC 0.00417; 1000 Genomes Project 0.00599; gnomAD 0.00637 and 0.00691; TOPMed 0.00705; ESP Exome Variant Server 0.00715.
gnomAD v4.1: 1,830 of 1,595,112 alleles (0.11%); highest among the groups gnomAD compares: African/African-American, 2.2%; 16 homozygotes.

Submissions (7):

Labcorp Genetics (formerly Invitae), Labcorp
Classification: Benign. Last evaluated: 2026-01-24. Review status: criteria provided, single submitter. Criteria: Invitae Variant Classification Sherloc (09022015). Collection method: clinical testing. Allele origin: germline.

Blueprint Genetics
Classification: Likely benign. Last evaluated: 2024-11-01. Review status: criteria provided, single submitter. Criteria: ACMG Guidelines, 2015. Collection method: clinical testing. Allele origin: germline.

Illumina Laboratory Services, Illumina
Classification: Benign for Congenital stationary night blindness 1D. Last evaluated: 2018-01-13. Review status: criteria provided, single submitter. Criteria: ICSL Variant Classification Criteria 13 December 2019. Collection method: clinical testing. Allele origin: germline.
Comment: This variant was observed in the ICSL laboratory as part of a predisposition screen in an ostensibly healthy population. It had not been previously curated by ICSL or reported in the Human Gene Mutation Database (HGMD: prior to June 1st, 2018), and was therefore a candidate for classification through an automated scoring system. Utilizing variant allele frequency, disease prevalence and penetrance estimates, and inheritance mode, an automated score was calculated to assess if this variant is too frequent to cause the disease. Based on the score and internal cut-off values, a variant classified as benign is not then subjected to further curation. The score for this variant resulted in a classification of benign for this disease.

Eurofins Ntd Llc (ga)
Classification: Benign. Last evaluated: 2015-10-20. Review status: criteria provided, single submitter. Criteria: EGL Classification Definitions 2015. Collection method: clinical testing. Allele origin: germline. Observed: 1 variant allele, 1 heterozygote.

Breakthrough Genomics
Classification: Benign. Review status: criteria provided, single submitter. Criteria: ACMG Guidelines, 2015. Collection method: not provided. Allele origin: germline. Inheritance: Autosomal recessive inheritance. Affected: yes.

Clinical Genetics DNA and cytogenetics Diagnostics Lab, Erasmus MC, Erasmus Medical Center
Classification: Benign. Review status: no assertion criteria provided. Collection method: clinical testing. Allele origin: germline. Affected: yes. Study: VKGL Data-share Consensus. Not counted in ClinVar's aggregate classification.

Clinical Genetics, Academic Medical Center
Classification: Benign. Review status: no assertion criteria provided. Collection method: clinical testing. Allele origin: germline. Affected: yes. Study: VKGL Data-share Consensus. Not counted in ClinVar's aggregate classification.

NM_004727.3(SLC24A1):c.2594A>G (p.Glu865Gly)

Gene: SLC24A1 (solute carrier family 24 member 1; plus strand). Cytogenetic location: 15q22.31.
Variant type: single nucleotide variant.
Coding change: c.2594A>G on transcript NM_004727.3 (MANE Select); coding-DNA position 2594, A replaced by G.
Protein change: p.Glu865Gly; replaces glutamic acid 865 with glycine.
Molecular consequence: missense variant.
Genome position (GRCh38, 1-based): chr15:65,650,743, A>G. VCF-style: chr15-65650743-A-G. GRCh37 (hg19) VCF-style: chr15-65943081-A-G.
Other names: c.575A>G, p.Glu192Gly (NM_001254740.2); c.2594A>G, p.Glu865Gly (NM_001301031.1); c.2540A>G, p.Glu847Gly (NM_001301032.1, NM_001301033.2); short protein forms E865G, E192G, E847G.
Identifiers: ClinVar variation 284166 (VCV000284166.22), dbSNP rs142249570, ClinGen allele CA7620155.
Genomic context (GRCh38, chr15:65,650,743, plus strand): 5'-AGAAAGGTGTAGAAGATGGAGGGGGAAGTGATGGAGGGGATAGCGAAGAGGAGGAAGAGG[A>G]GGAGGAAGAGCAGGAGGAAGAGGAGGAGGAGGAAGAGCAGGAGGAAGAGGAGGAGGAGGA-3'
Protein context (NP_004718.1, residues 855-875): DGGDSEEEEE[Glu865Gly]EEEQEEEEEE